The following is an entry in ClinVar:

NM_133259.4(LRPPRC):c.806C>G (p.Thr269Arg)

Gene: LRPPRC (leucine rich pentatricopeptide repeat containing; minus strand). Cytogenetic location: 2p21.
Variant type: single nucleotide variant.
Coding change: c.806C>G on transcript NM_133259.4 (MANE Select); coding-DNA position 806, C replaced by G.
Protein change: p.Thr269Arg; replaces threonine 269 with arginine.
Molecular consequence: missense variant.
Genome position (GRCh38, 1-based): chr2:43,975,149, G>C on the plus strand (C>G on the coding strand, the complement: LRPPRC is on the minus strand). VCF-style: chr2-43975149-G-C. GRCh37 (hg19) VCF-style: chr2-44202288-G-C.
Other names: short protein forms T269R.
Identifiers: ClinVar variation 3900909 (VCV003900909.1).

ClinVar aggregate classification (germline): Uncertain significance (1 of 4 stars; one submission).

Submission:

GeneDx
Classification: Uncertain significance. Last evaluated: 2024-11-27. Review status: criteria provided, single submitter. Criteria: GeneDx Variant Classification Process June 2021. Collection method: clinical testing. Allele origin: germline. Affected: yes.
Comment: Not observed at significant frequency in large population cohorts (gnomAD); In silico analysis supports that this missense variant has a deleterious effect on protein structure/function; Has not been previously published as pathogenic or benign to our knowledge